The following is an entry in ClinVar:

ClinVar aggregate classification (germline): Conflicting classifications of pathogenicity. Review status: criteria provided, conflicting classifications (1 of 4 stars). 2 submissions from 2 submitters: Uncertain significance (1); Likely benign (1). Last evaluated 2025-11-26.

gnomAD v4.1: 22 of 1,601,796 alleles (0.0014%); highest among the groups gnomAD compares: Middle Eastern, 0.033%; no homozygotes.

Submissions (2):

Ambry Genetics
Classification: Likely benign. Last evaluated: 2025-11-26. Review status: criteria provided, single submitter. Criteria: Ambry Variant Classification Scheme 2023. Collection method: clinical testing. Allele origin: germline.

Labcorp Genetics (formerly Invitae), Labcorp
Classification: Uncertain significance. Last evaluated: 2025-05-25. Review status: criteria provided, single submitter. Criteria: Invitae Variant Classification Sherloc (09022015). Collection method: clinical testing. Allele origin: germline.
Comment: This sequence change replaces alanine, which is neutral and non-polar, with threonine, which is neutral and polar, at codon 1025 of the TNS2 protein (p.Ala1025Thr). The frequency data for this variant in the population databases is considered unreliable, as metrics indicate poor data quality at this position in the gnomAD database. This variant has not been reported in the literature in individuals affected with TNS2-related conditions. ClinVar contains an entry for this variant (Variation ID: 3603640). An algorithm developed to predict the effect of missense changes on protein structure and function outputs the following: PolyPhen-2: "Benign". The threonine amino acid residue is found in multiple mammalian species, which suggests that this missense change does not adversely affect protein function. In summary, the available evidence is currently insufficient to determine the role of this variant in disease. Therefore, it has been classified as a Variant of Uncertain Significance.

NM_170754.4(TNS2):c.3043G>A (p.Ala1015Thr)

Gene: TNS2 (tensin 2; plus strand). Cytogenetic location: 12q13.13.
Variant type: single nucleotide variant.
Coding change: c.3043G>A on transcript NM_170754.4 (MANE Select); coding-DNA position 3043, G replaced by A.
Protein change: p.Ala1015Thr; replaces alanine 1015 with threonine.
Molecular consequence: missense variant.
Genome position (GRCh38, 1-based): chr12:53,060,949, G>A. VCF-style: chr12-53060949-G-A. GRCh37 (hg19) VCF-style: chr12-53454733-G-A.
Other names: c.3073G>A (NM_015319.2); c.3043G>A, p.Ala1015Thr (NM_001416202.1); c.3001G>A, p.Ala1001Thr (NM_001416203.1); c.3070G>A, p.Ala1024Thr (NM_001416204.1); c.2974G>A, p.Ala992Thr (NM_015319.3); c.2671G>A, p.Ala891Thr (NM_198316.2); short protein forms A1001T, A1015T, A1024T, A891T, A992T.
Identifiers: ClinVar variation 3603640 (VCV003603640.3).